The following is an entry in ClinVar:

ClinVar aggregate classification (germline): Uncertain significance (1 of 4 stars; one submission).

Submission:

Labcorp Genetics (formerly Invitae), Labcorp
Classification: Uncertain significance. Last evaluated: 2024-06-19. Review status: criteria provided, single submitter. Criteria: Invitae Variant Classification Sherloc (09022015). Collection method: clinical testing. Allele origin: germline.
Comment: This sequence change replaces asparagine, which is neutral and polar, with aspartic acid, which is acidic and polar, at codon 32 of the RBP4 protein (p.Asn32Asp). This variant is not present in population databases (gnomAD no frequency). This variant has not been reported in the literature in individuals affected with RBP4-related conditions. An algorithm developed to predict the effect of missense changes on protein structure and function (PolyPhen-2) suggests that this variant is likely to be tolerated. In summary, the available evidence is currently insufficient to determine the role of this variant in disease. Therefore, it has been classified as a Variant of Uncertain Significance.

NM_006744.4(RBP4):c.94A>G (p.Asn32Asp)

Gene: RBP4 (retinol binding protein 4; minus strand). Cytogenetic location: 10q23.33.
Variant type: single nucleotide variant.
Coding change: c.94A>G on transcript NM_006744.4 (MANE Select); coding-DNA position 94, A replaced by G.
Protein change: p.Asn32Asp; replaces asparagine 32 with aspartic acid.
Molecular consequence: missense variant.
Genome position (GRCh38, 1-based): chr10:93,600,935, T>C on the plus strand (A>G on the coding strand, the complement: RBP4 is on the minus strand). VCF-style: chr10-93600935-T-C. GRCh37 (hg19) VCF-style: chr10-95360692-T-C.
Other names: c.94A>G, p.Asn32Asp (NM_001323517.1); c.88A>G, p.Asn30Asp (NM_001323518.2); short protein forms N32D, N30D.
Identifiers: ClinVar variation 3657085 (VCV003657085.2).
Genomic context (GRCh38, chr10:93,600,935, plus strand): 5'-GGTGGGGACCTGGGCCGCCTGGGCCCCCTGGGCCGATACCTACGCGAGCCTTGTCGAAGT[T>C]CTCCTTGACTCGGAAGCTGCTCACTCGGCAGTCGCGCTCCGCGCGGCCGCTGCCCAGCGC-3'
Protein context (NP_006735.2, residues 22-42): CRVSSFRVKE[Asn32Asp]FDKARFSGTW